The following is an entry in ClinVar:

ClinVar aggregate classification (germline): Uncertain significance (1 of 4 stars; one submission).

Conditions:
Glucose-6-phosphate transport defect (GSD1B). Also called: Glycogen Storage Disease Type Ib; GSD Ib. Identifiers: Orphanet 364, Orphanet 79259, MedGen C0268146, MONDO:0009288, OMIM 232220.

Submission:

Centre for Human Genetics
Classification: Uncertain significance for Glucose-6-phosphate transport defect. Last evaluated: 2014-01-09. Review status: criteria provided, single submitter. Criteria: ACMG Guidelines, 2015. Collection method: clinical testing. Allele origin: inherited. Inheritance: Autosomal recessive inheritance. Affected: yes. Observed: 1 variant allele.
Comment: Likely affecting

NM_001164277.2(SLC37A4):c.152TCA[1] (p.Ile52del)

Gene: SLC37A4 (solute carrier family 37 member 4; minus strand). Cytogenetic location: 11q23.3.
Variant type: Microsatellite.
Coding change: c.152TCA[1] on transcript NM_001164277.2 (MANE Select); one copy of the 3-base unit TCA starting at c.152; the reference has two copies in a row; one copy, 3 bases deleted.
Protein change: p.Ile52del; deletes isoleucine 52.
Molecular consequence: inframe deletion. On other transcripts: 5 prime UTR variant (1).
Genome position (GRCh38, 1-based): chr11:119,028,418-119,028,420, TGA deleted on the plus strand (TCA on the coding strand, the reverse complement: SLC37A4 is on the minus strand); deleting any 3 consecutive bases within chr11:119,028,418-119,028,423 gives the same sequence; the position shown is the placement nearest the transcript's 3' end. VCF-style (leftmost placement, unchanged base first): chr11-119028417-GTGA-G. GRCh37 (hg19) VCF-style: chr11-118899127-GTGA-G.
Other names: c.154_156del (NM_001164277.2); c.152TCA[1], p.Ile52del (NM_001164278.2, NM_001164280.2, NM_001467.6); c.-68TCA[1] (NM_001164279.2); short protein forms I52del.
Identifiers: ClinVar variation 997957 (VCV000997957.1), dbSNP rs1943642881, ClinGen allele CA2003750085.